The following is an entry in ClinVar:

ClinVar aggregate classification (germline): Uncertain significance. Review status: criteria provided, multiple submitters, no conflicts (2 of 4 stars). 2 submissions from 2 submitters: Uncertain significance (2). Last evaluated 2022-07-02.

Conditions:
Hereditary cancer-predisposing syndrome. Also called: Neoplastic Syndromes, Hereditary; Hereditary Cancer Syndrome; Tumor predisposition; Hereditary neoplastic syndrome. Identifiers: Orphanet 140162, MedGen C0027672, MeSH D009386, MONDO:0015356.
Cardiovascular phenotype. Identifiers: MedGen CN230736.
Neurofibromatosis, type 1 (NF1). Also called: Neurofibromatosis, type I; Peripheral type neurofibromatosis; VON RECKLINGHAUSEN DISEASE; NEUROFIBROMATOSIS, TYPE I, SOMATIC. Identifiers: Orphanet 636, MedGen C0027831, MONDO:0018975, OMIM 162200. Disease mechanism: loss of function.

Submissions (2):

Ambry Genetics
Classification: Uncertain significance for Cardiovascular phenotype; Hereditary cancer-predisposing syndrome. Last evaluated: 2022-07-02. Review status: criteria provided, single submitter. Criteria: Ambry Variant Classification Scheme 2023. Collection method: clinical testing. Allele origin: germline.
Comment: The p.F1458S variant (also known as c.4373T>C), located in coding exon 33 of the NF1 gene, results from a T to C substitution at nucleotide position 4373. The phenylalanine at codon 1458 is replaced by serine, an amino acid with highly dissimilar properties. This amino acid position is conserved. In addition, this alteration is predicted to be deleterious by in silico analysis. Since supporting evidence is limited at this time, the clinical significance of this alteration remains unclear.

Labcorp Genetics (formerly Invitae), Labcorp
Classification: Uncertain significance for Neurofibromatosis, type 1. Last evaluated: 2021-10-12. Review status: criteria provided, single submitter. Criteria: Invitae Variant Classification Sherloc (09022015). Collection method: clinical testing. Allele origin: germline.
Comment: In summary, the available evidence is currently insufficient to determine the role of this variant in disease. Therefore, it has been classified as a Variant of Uncertain Significance. Advanced modeling of protein sequence and biophysical properties (such as structural, functional, and spatial information, amino acid conservation, physicochemical variation, residue mobility, and thermodynamic stability) performed at Invitae indicates that this missense variant is expected to disrupt NF1 protein function. This variant has not been reported in the literature in individuals affected with NF1-related conditions. This variant is not present in population databases (ExAC no frequency). This sequence change replaces phenylalanine with serine at codon 1458 of the NF1 protein (p.Phe1458Ser). The phenylalanine residue is highly conserved and there is a large physicochemical difference between phenylalanine and serine.

NM_001042492.3(NF1):c.4436T>C (p.Phe1479Ser)

Gene: NF1 (neurofibromin 1; plus strand). Cytogenetic location: 17q11.2.
Variant type: single nucleotide variant.
Coding change: c.4436T>C on transcript NM_001042492.3 (MANE Select); coding-DNA position 4436, T replaced by C.
Protein change: p.Phe1479Ser; replaces phenylalanine 1479 with serine.
Molecular consequence: missense variant.
Genome position (GRCh38, 1-based): chr17:31,260,374, T>C. VCF-style: chr17-31260374-T-C. GRCh37 (hg19) VCF-style: chr17-29587392-T-C.
Other names: c.4373T>C, p.Phe1458Ser (NM_000267.4); short protein forms F1479S, F1458S.
Identifiers: ClinVar variation 1508702 (VCV001508702.8), dbSNP rs2067662458, ClinGen allele CA398999152.